The following is an entry in ClinVar:

ClinVar aggregate classification (germline): Uncertain significance (1 of 4 stars; one submission).

Conditions:
Hereditary cancer-predisposing syndrome. Also called: Tumor predisposition; Neoplastic Syndromes, Hereditary; Hereditary Cancer Syndrome; Hereditary neoplastic syndrome. Identifiers: Orphanet 140162, MedGen C0027672, MeSH D009386, MONDO:0015356.

Submission:

Ambry Genetics
Classification: Uncertain significance for Hereditary cancer-predisposing syndrome. Last evaluated: 2024-09-01. Review status: criteria provided, single submitter. Criteria: Ambry Variant Classification Scheme 2023. Collection method: clinical testing. Allele origin: germline.
Comment: The p.H1332L variant (also known as c.3995A>T), located in coding exon 10 of the BRCA2 gene, results from an A to T substitution at nucleotide position 3995. The histidine at codon 1332 is replaced by leucine, an amino acid with similar properties. This amino acid position is conserved. In addition, this alteration is predicted to be tolerated by in silico analysis. Based on the available evidence, the clinical significance of this variant remains unclear.

NM_000059.4(BRCA2):c.3995A>T (p.His1332Leu)

Gene: BRCA2 (BRCA2 DNA repair associated; plus strand). Cytogenetic location: 13q13.1.
Variant type: single nucleotide variant.
Coding change: c.3995A>T on transcript NM_000059.4 (MANE Select); coding-DNA position 3995, A replaced by T.
Protein change: p.His1332Leu; replaces histidine 1332 with leucine.
Molecular consequence: missense variant. On other transcripts: non-coding transcript variant (1), intron variant (2).
Genome position (GRCh38, 1-based): chr13:32,338,350, A>T. VCF-style: chr13-32338350-A-T. GRCh37 (hg19) VCF-style: chr13-32912487-A-T.
Other names: c.3995A>T, p.His1332Leu (NM_001406719.1, NM_001406720.1, NM_001432077.1); c.1909+4963A>T (NM_001406721.1); c.425-6208A>T (NM_001406722.1); short protein forms H1332L.
Identifiers: ClinVar variation 3482076 (VCV003482076.1).